The following is an entry in ClinVar:

NM_020693.4(DSCAML1):c.4945C>A (p.Pro1649Thr)

Gene: DSCAML1 (DS cell adhesion molecule like 1; minus strand). Cytogenetic location: 11q23.3.
Variant type: single nucleotide variant.
Coding change: c.4945C>A on transcript NM_020693.4 (MANE Select); coding-DNA position 4945, C replaced by A.
Protein change: p.Pro1649Thr; replaces proline 1649 with threonine.
Molecular consequence: missense variant.
Genome position (GRCh38, 1-based): chr11:117,433,219, G>T on the plus strand (C>A on the coding strand, the complement: DSCAML1 is on the minus strand). VCF-style: chr11-117433219-G-T. GRCh37 (hg19) VCF-style: chr11-117303935-G-T.
Other names: short protein forms P1649T.
Identifiers: ClinVar variation 3654154 (VCV003654154.2).

ClinVar aggregate classification (germline): Uncertain significance (1 of 4 stars; one submission).

gnomAD v4.1: 1 of 1,613,424 alleles (0.000062%); highest among the groups gnomAD compares: Non-Finnish European, 0.000085%; no homozygotes.

Submission:

Labcorp Genetics (formerly Invitae), Labcorp
Classification: Uncertain significance. Last evaluated: 2024-05-22. Review status: criteria provided, single submitter. Criteria: Invitae Variant Classification Sherloc (09022015). Collection method: clinical testing. Allele origin: germline.
Comment: This sequence change replaces proline, which is neutral and non-polar, with threonine, which is neutral and polar, at codon 1709 of the DSCAML1 protein (p.Pro1709Thr). This variant is not present in population databases (gnomAD no frequency). This variant has not been reported in the literature in individuals affected with DSCAML1-related conditions. An algorithm developed to predict the effect of missense changes on protein structure and function (PolyPhen-2) suggests that this variant is likely to be tolerated. In summary, the available evidence is currently insufficient to determine the role of this variant in disease. Therefore, it has been classified as a Variant of Uncertain Significance.